The following is an entry in ClinVar:

ClinVar aggregate classification (germline): Pathogenic/Likely pathogenic. Review status: criteria provided, multiple submitters, no conflicts (2 of 4 stars). 4 submissions from 4 submitters: Pathogenic (2); Likely pathogenic (2). Last evaluated 2025-07-03.

Conditions:
OTOGL-related disorder. Also called: OTOGL-related condition.
Rare genetic deafness. Identifiers: Orphanet 96210, MedGen C5680250.
Autosomal recessive nonsyndromic hearing loss 84B. Also called: Deafness, autosomal recessive 84b. Identifiers: Orphanet 90636, MedGen C3554159, MONDO:0013984, OMIM 614944.

Allele frequency attached by ClinVar (database versions not stated): ExAC 0.00001; gnomAD 0.00001; gnomAD exomes 0.00002 and 0.00007; TOPMed 0.00002.
gnomAD v4.1: 99 of 1,602,232 alleles (0.0062%); highest among the groups gnomAD compares: Non-Finnish European, 0.008%; no homozygotes.

Submissions (4):

Labcorp Genetics (formerly Invitae), Labcorp
Classification: Pathogenic. Last evaluated: 2025-07-03. Review status: criteria provided, single submitter. Criteria: Invitae Variant Classification Sherloc (09022015). Collection method: clinical testing. Allele origin: germline.
Comment: This sequence change creates a premature translational stop signal (p.Arg1663*) in the OTOGL gene. It is expected to result in an absent or disrupted protein product. Loss-of-function variants in OTOGL are known to be pathogenic (PMID: 23122586). This variant is present in population databases (rs759174628, gnomAD 0.006%). This variant has not been reported in the literature in individuals affected with OTOGL-related conditions. ClinVar contains an entry for this variant (Variation ID: 228384). For these reasons, this variant has been classified as Pathogenic.

PreventionGenetics, part of Exact Sciences
Classification: Likely pathogenic for OTOGL-related condition. Last evaluated: 2025-06-06. Review status: criteria provided, single submitter. Criteria: ACMG Guidelines, 2015. Collection method: clinical testing. Allele origin: germline.
Comment: The OTOGL c.4987C>T variant is predicted to result in premature protein termination (p.Arg1663*). To our knowledge, this variant has not been reported in the literature. This variant is reported in 0.0056% of alleles in individuals of East Asian descent in gnomAD. Nonsense variants in OTOGL are expected to be pathogenic. This variant is interpreted as likely pathogenic.

Department of Pathology and Laboratory Medicine, Sinai Health System
Classification: Likely pathogenic for Autosomal recessive nonsyndromic hearing loss 84B. Last evaluated: 2023-04-03. Review status: criteria provided, single submitter. Criteria: ACMG Guidelines, 2015. Collection method: research. Allele origin: germline.

Laboratory for Molecular Medicine, Mass General Brigham Personalized Medicine
Classification: Pathogenic for Rare genetic deafness. Last evaluated: 2015-07-30. Review status: criteria provided, single submitter. Criteria: LMM Criteria. Collection method: clinical testing. Allele origin: germline. Inheritance: Autosomal recessive inheritance. Observed: 2 variant alleles.
Comment: The p.Arg1663X variant in OTOGL has been identified by our laboratory in 2 indiv iduals with hearing loss and a second nonsense variant in OTOGL (orientation not yet determined). It has also been identified in 1/17244 East Asian chromosomes by the Genome Aggregation Database (gnomAD). Although this variant has been seen in the general population, its frequency is low enough to be consistent with a recessive carrier frequency. This nonsense v ariant leads to a premature termination codon at position 1663, which is predict ed to lead to a truncated or absent protein. Loss of function of the OTOGL gene is an established disease mechanism in autosomal recessive hearing loss. In summ ary, this variant meets our criteria to be classified as pathogenic for hearing loss in an autosomal recessive manner based on the predicted impact of the varia nt. ACMG/AMP Criteria applied: PVS1; PM2; PM3.

Literature cited by the submitters: PubMed 23122586 (cited by Labcorp Genetics (formerly Invitae), Labcorp).

NM_001378609.3(OTOGL):c.5014C>T (p.Arg1672Ter)

Gene: OTOGL (otogelin like; plus strand). Cytogenetic location: 12q21.31.
Variant type: single nucleotide variant.
Coding change: c.5014C>T on transcript NM_001378609.3 (MANE Select); coding-DNA position 5014, C replaced by T.
Protein change: p.Arg1672Ter; replaces arginine 1672 with a stop codon.
Molecular consequence: nonsense.
Genome position (GRCh38, 1-based): chr12:80,339,228, C>T. VCF-style: chr12-80339228-C-T. GRCh37 (hg19) VCF-style: chr12-80733008-C-T.
Other names: c.4879C>T, p.Arg1627Ter (NM_001368062.3); c.5014C>T, p.Arg1672Ter (NM_001378610.3, NM_173591.7); short protein forms R1663*, R1627*, R1672*.
Identifiers: ClinVar variation 228384 (VCV000228384.13), dbSNP rs759174628, ClinGen allele CA6701569.
Genomic context (GRCh38, chr12:80,339,228, plus strand): 5'-GCTGGACTAATCATAAAGTGGTCTCATCTTACAGGAATCATAGACATTCATTTTGGCTTC[C>T]GATTTAACTTGTCATCCTACACAGAAGGACTCTGTGGTGAGCGCTGCCCTTCAAATCTTG-3'